The following is an entry in ClinVar:

ClinVar aggregate classification (germline): Uncertain significance (1 of 4 stars; one submission).

Conditions:
Cowden syndrome 6 (CWS6). Identifiers: Orphanet 201, MedGen C3554519, MONDO:0014048, OMIM 615109.

Allele frequency attached by ClinVar (database versions not stated): gnomAD exomes 0.00001; gnomAD 0.00003; ESP Exome Variant Server 0.00008; TOPMed 0.00002; ExAC 0.00001.
gnomAD v4.1: 14 of 1,613,944 alleles (0.00087%); highest among the groups gnomAD compares: East Asian, 0.0067%; no homozygotes.

Submission:

Labcorp Genetics (formerly Invitae), Labcorp
Classification: Uncertain significance for Cowden syndrome 6. Last evaluated: 2025-03-16. Review status: criteria provided, single submitter. Criteria: Invitae Variant Classification Sherloc (09022015). Collection method: clinical testing. Allele origin: germline.
Comment: This sequence change replaces arginine, which is basic and polar, with tryptophan, which is neutral and slightly polar, at codon 121 of the AKT1 protein (p.Arg121Trp). This variant is present in population databases (rs369198922, gnomAD 0.01%). This variant has not been reported in the literature in individuals affected with AKT1-related conditions. ClinVar contains an entry for this variant (Variation ID: 1394481). An algorithm developed to predict the effect of missense changes on protein structure and function (PolyPhen-2) suggests that this variant is likely to be tolerated. In summary, the available evidence is currently insufficient to determine the role of this variant in disease. Therefore, it has been classified as a Variant of Uncertain Significance.

NM_001382430.1(AKT1):c.361C>T (p.Arg121Trp)

Gene: AKT1 (AKT serine/threonine kinase 1; minus strand). Cytogenetic location: 14q32.33.
Variant type: single nucleotide variant.
Coding change: c.361C>T on transcript NM_001382430.1 (MANE Select); coding-DNA position 361, C replaced by T.
Protein change: p.Arg121Trp; replaces arginine 121 with tryptophan.
Molecular consequence: missense variant.
Genome position (GRCh38, 1-based): chr14:104,775,726, G>A on the plus strand (C>T on the coding strand, the complement: AKT1 is on the minus strand). VCF-style: chr14-104775726-G-A. GRCh37 (hg19) VCF-style: chr14-105242063-G-A.
Other names: c.361C>T, p.Arg121Trp (NM_001014431.2, NM_001014432.2, NM_001382431.1 and 3 more transcripts); short protein forms R121W.
Identifiers: ClinVar variation 1394481 (VCV001394481.8), dbSNP rs369198922, ClinGen allele CA7374808.
Genomic context (GRCh38, chr14:104,775,726, plus strand): 5'-GCTTGGCCAGGGACACCTCCATCTCTTCAGCCCCTGAGTTGTCACTGGGTGAGCCCGACC[G>A]GAAGTCCATCTCCTCCTCCTCCTGCTTCTTGAGGCCGTCAGCCACAGTCTGGATGGCGGT-3'
Protein context (NP_001369359.1, residues 111-131): KKQEEEEMDF[Arg121Trp]SGSPSDNSGA